The following is an entry in ClinVar:

NM_001927.4(DES):c.322G>A (p.Glu108Lys)

Gene: DES (desmin; plus strand). Cytogenetic location: 2q35.
Variant type: single nucleotide variant.
Coding change: c.322G>A on transcript NM_001927.4 (MANE Select); coding-DNA position 322, G replaced by A.
Protein change: p.Glu108Lys; replaces glutamic acid 108 with lysine.
Molecular consequence: missense variant.
Genome position (GRCh38, 1-based): chr2:219,418,784, G>A. VCF-style: chr2-219418784-G-A. GRCh37 (hg19) VCF-style: chr2-220283506-G-A.
Other names: p.Glu108Lys; c.322G>A (LRG_380t1); short protein forms E108K.
Identifiers: ClinVar variation 66408 (VCV000066408.15), dbSNP rs62636490, ClinGen allele CA217060.

ClinVar aggregate classification (germline): Conflicting classifications of pathogenicity. Review status: criteria provided, conflicting classifications (1 of 4 stars). 6 submissions from 6 submitters: Pathogenic (1); Uncertain significance (4). 1 of the submissions does not count toward it. Last evaluated 2025-10-15.

Conditions:
Cardiovascular phenotype. Identifiers: MedGen CN230736.
Desmin-related myofibrillar myopathy (MFM1). Also called: Desminopathy; Desmin related myopathy (former name); Desmin storage myopathy (former name); MYOFIBRILLAR MYOPATHY WITH ARRHYTHMOGENIC RIGHT VENTRICULAR CARDIOMYOPATHY; DESMIN-RELATED MYOPATHY WITH ARRHYTHMOGENIC RIGHT VENTRICULAR CARDIOMYOPATHY; Myofibrillar myopathy 1. Identifiers: Orphanet 363543, Orphanet 98909, MedGen C1832370, MONDO:0011076, OMIM 601419.
Dilated cardiomyopathy 1I (CMD1I). Identifiers: Orphanet 154, MedGen C1858154, MONDO:0011482, OMIM 604765.
Neurogenic scapuloperoneal syndrome, Kaeser type (SCPNK). Also called: KAESER SYNDROME. Identifiers: Orphanet 85146, MedGen C1867005, MONDO:0008407, OMIM 181400.

Allele frequency attached by ClinVar (database versions not stated): TOPMed below 0.00001.

Submissions (6):

Labcorp Genetics (formerly Invitae), Labcorp
Classification: Uncertain significance for Desmin-related myofibrillar myopathy. Last evaluated: 2025-10-15. Review status: criteria provided, single submitter. Criteria: Invitae Variant Classification Sherloc (09022015). Collection method: clinical testing. Allele origin: germline.
Comment: This sequence change replaces glutamic acid, which is acidic and polar, with lysine, which is basic and polar, at codon 108 of the DES protein (p.Glu108Lys). This variant is not present in population databases (gnomAD no frequency). This missense change has been observed in individual(s) with dilated cardiomyopathy (PMID: 17325244, 38727660). ClinVar contains an entry for this variant (Variation ID: 66408). Invitae Evidence Modeling of protein sequence and biophysical properties (such as structural, functional, and spatial information, amino acid conservation, physicochemical variation, residue mobility, and thermodynamic stability) has been performed for this missense variant. However, the output from this modeling did not meet the statistical confidence thresholds required to predict the impact of this variant on DES protein function. Experimental studies are conflicting or provide insufficient evidence to determine the effect of this variant on DES function (PMID: 17325244, 38727660). In summary, the available evidence is currently insufficient to determine the role of this variant in disease. Therefore, it has been classified as a Variant of Uncertain Significance.

Mayo Clinic Laboratories, Mayo Clinic
Classification: Pathogenic. Last evaluated: 2025-09-16. Review status: criteria provided, single submitter. Criteria: ACMG Guidelines, 2015. Collection method: clinical testing. Allele origin: germline. Observed: 2 variant alleles.
Comment: PP3_strong, PM1, PM2_supporting, PS3_supporting, PS4_moderate

GeneDx
Classification: Uncertain significance. Last evaluated: 2023-02-20. Review status: criteria provided, single submitter. Criteria: GeneDx Variant Classification Process June 2021. Collection method: clinical testing. Allele origin: germline. Affected: yes.
Comment: Not observed at significant frequency in large population cohorts (gnomAD); In silico analysis supports that this missense variant has a deleterious effect on protein structure/function; Published in vitro functional studies in cultured cells demonstrated no disruption in desmin assembly (Taylor et al., 2007); This variant is associated with the following publications: (PMID: 20474083, 17325244, 22337857, 33823640, 26807690, 32522011)

Ambry Genetics
Classification: Uncertain significance for Cardiovascular phenotype. Last evaluated: 2021-09-20. Review status: criteria provided, single submitter. Criteria: Ambry Variant Classification Scheme 2023. Collection method: clinical testing. Allele origin: germline.

Fulgent Genetics
Classification: Uncertain significance for Neurogenic scapuloperoneal syndrome, Kaeser type; Desmin-related myofibrillar myopathy; Dilated cardiomyopathy 1I. Last evaluated: 2021-08-17. Review status: criteria provided, single submitter. Criteria: ACMG Guidelines, 2015. Collection method: clinical testing. Allele origin: unknown.

Epithelial Biology;  Institute of Medical Biology, Singapore
No classification provided. Review status: no classification provided. Collection method: not provided. Allele origin: not provided. Not counted in ClinVar's aggregate classification.

Literature cited by the submitters: PubMed 17325244 (cited by Labcorp Genetics (formerly Invitae), Labcorp and Mayo Clinic Laboratories, Mayo Clinic); PubMed 38727660 (cited by Labcorp Genetics (formerly Invitae), Labcorp and Mayo Clinic Laboratories, Mayo Clinic); PubMed 32522011 (cited by Mayo Clinic Laboratories, Mayo Clinic).